The following is an entry in ClinVar:

ClinVar aggregate classification (germline): Uncertain significance (1 of 4 stars; one submission).

gnomAD v4.1: 2 of 1,614,132 alleles (0.00012%); highest among the groups gnomAD compares: Non-Finnish European, 0.00017%; no homozygotes.

Submission:

GeneDx
Classification: Uncertain significance. Last evaluated: 2022-05-05. Review status: criteria provided, single submitter. Criteria: GeneDx Variant Classification Process June 2021. Collection method: clinical testing. Allele origin: germline. Affected: yes.
Comment: Not observed at significant frequency in large population cohorts (gnomAD); In silico analysis supports that this missense variant does not alter protein structure/function; Has not been previously published as pathogenic or benign to our knowledge

NM_001197104.2(KMT2A):c.7363G>A (p.Val2455Met)

Gene: KMT2A (lysine methyltransferase 2A; plus strand). Cytogenetic location: 11q23.3.
Variant type: single nucleotide variant.
Coding change: c.7363G>A on transcript NM_001197104.2 (MANE Select); coding-DNA position 7363, G replaced by A.
Protein change: p.Val2455Met; replaces valine 2455 with methionine.
Molecular consequence: missense variant.
Genome position (GRCh38, 1-based): chr11:118,503,255, G>A. VCF-style: chr11-118503255-G-A. GRCh37 (hg19) VCF-style: chr11-118373970-G-A.
Other names: c.7453G>A, p.Val2485Met (NM_001412597.1); c.7354G>A, p.Val2452Met (NM_005933.4); short protein forms V2452M, V2455M, V2485M.
Identifiers: ClinVar variation 1722971 (VCV001722971.2), dbSNP rs1555046537, ClinGen allele CA382805265.
Genomic context (GRCh38, chr11:118,503,255, plus strand): 5'-TCCTGTAAAGAAACTTTCAAAGAAAAGCATTCCAGTAAATCTTTTTTGGAACCTGGTCAG[G>A]TGACAACTGGTGAGGAAGGAAACTTGAAGCCAGAGTTTATGGATGAGGTTTTGACTCCTG-3'
Protein context (NP_001184033.1, residues 2445-2465): SSKSFLEPGQ[Val2455Met]TTGEEGNLKP